The following is an entry in ClinVar:

ClinVar aggregate classification (germline): Likely benign (1 of 4 stars; one submission).

Submission:

GeneDx
Classification: Likely benign. Last evaluated: 2017-11-16. Review status: criteria provided, single submitter. Criteria: GeneDx Variant Classification (06012015). Collection method: clinical testing. Allele origin: germline. Affected: yes.
Comment: This variant is considered likely benign or benign based on one or more of the following criteria: it is a conservative change, it occurs at a poorly conserved position in the protein, it is predicted to be benign by multiple in silico algorithms, and/or has population frequency not consistent with disease.

NM_001347721.2(DYRK1A):c.208-33T>C

Gene: DYRK1A (dual specificity tyrosine phosphorylation regulated kinase 1A; plus strand). Cytogenetic location: 21q22.13.
Variant type: single nucleotide variant.
Coding change: c.208-33T>C on transcript NM_001347721.2 (MANE Select); 33 bases into the intron before coding-DNA position 208, T replaced by C.
Molecular consequence: intron variant.
Genome position (GRCh38, 1-based): chr21:37,478,175, T>C. VCF-style: chr21-37478175-T-C. GRCh37 (hg19) VCF-style: chr21-38850477-T-C.
Other names: c.208-33T>C (NM_001347722.2, NM_130436.2); c.121-33T>C (NM_001347723.2); c.208-6T>C (NM_101395.2, NM_130438.2, NM_001396.5).
Identifiers: ClinVar variation 513515 (VCV000513515.1), dbSNP rs1555979077, ClinGen allele CA658799430.